The following is an entry in ClinVar:

NM_001849.4(COL6A2):c.2301C>T (p.His767=)

Gene: COL6A2 (collagen type VI alpha 2 chain; plus strand). Cytogenetic location: 21q22.3.
Variant type: single nucleotide variant.
Coding change: c.2301C>T on transcript NM_001849.4 (MANE Select); coding-DNA position 2301, C replaced by T.
Protein change: p.His767=; no amino-acid change (histidine 767 retained).
Molecular consequence: synonymous variant.
Genome position (GRCh38, 1-based): chr21:46,126,116, C>T. VCF-style: chr21-46126116-C-T. GRCh37 (hg19) VCF-style: chr21-47546030-C-T.
Other names: c.2301C>T, p.His767= (NM_058174.3, NM_058175.3).
Identifiers: ClinVar variation 497585 (VCV000497585.26), dbSNP rs138371054, ClinGen allele CA10072509.

ClinVar aggregate classification (germline): Conflicting classifications of pathogenicity. Review status: criteria provided, conflicting classifications (1 of 4 stars). 5 submissions from 5 submitters: Uncertain significance (1); Likely benign (3). 1 of the submissions does not count toward it. Last evaluated 2026-01-26.

Conditions:
Bethlem myopathy 1A. Also called: Bethlem myopathy 1; Bethlem Muscular Dystrophy; MYOPATHY, BENIGN CONGENITAL, WITH CONTRACTURES. Identifiers: Orphanet 610, MedGen CN029274, MONDO:0024530, OMIM 158810.
COL6A2-related disorder.

Allele frequency attached by ClinVar (database versions not stated): gnomAD exomes 0.00008; ExAC 0.00014; 1000 Genomes Project 30x 0.00031; ESP Exome Variant Server 0.00038; 1000 Genomes Project 0.00040; TOPMed 0.00044.
gnomAD v4.1: 121 of 1,612,512 alleles (0.0075%); highest among the groups gnomAD compares: African/African-American, 0.11%; no homozygotes.

Submissions (5):

Labcorp Genetics (formerly Invitae), Labcorp
Classification: Likely benign for Bethlem myopathy 1A. Last evaluated: 2026-01-26. Review status: criteria provided, single submitter. Criteria: Invitae Variant Classification Sherloc (09022015). Collection method: clinical testing. Allele origin: germline.

Blueprint Genetics
Classification: Likely benign. Last evaluated: 2024-03-01. Review status: criteria provided, single submitter. Criteria: ACMG Guidelines, 2015. Collection method: clinical testing. Allele origin: germline.

GeneDx
Classification: Likely benign. Last evaluated: 2021-03-12. Review status: criteria provided, single submitter. Criteria: GeneDx Variant Classification Process June 2021. Collection method: clinical testing. Allele origin: germline. Affected: yes.

Eurofins Ntd Llc (ga)
Classification: Uncertain significance. Last evaluated: 2018-05-29. Review status: criteria provided, single submitter. Criteria: EGL ClinVar v180209 classification definitions. Collection method: clinical testing. Allele origin: germline. Observed: 2 variant alleles, 2 heterozygotes.

PreventionGenetics, part of Exact Sciences
Classification: Likely benign for COL6A2-related condition. Last evaluated: 2019-11-21. Review status: no assertion criteria provided. Collection method: clinical testing. Allele origin: germline. Not counted in ClinVar's aggregate classification.
Comment: This variant is classified as likely benign based on ACMG/AMP sequence variant interpretation guidelines (Richards et al. 2015 PMID: 25741868, with internal and published modifications).